The following is an entry in ClinVar:

NM_015065.3(EXPH5):c.654dup (p.Leu219fs)

Gene: EXPH5 (exophilin 5; minus strand). Cytogenetic location: 11q22.3.
Variant type: Duplication.
Coding change: c.654dup on transcript NM_015065.3 (MANE Select); coding-DNA position 654, one base duplicated (A; older notation c.654dupA).
Protein change: p.Leu219fs; shifts the reading frame from leucine 219.
Molecular consequence: frameshift variant.
Genome position (GRCh38, 1-based): chr11:108,514,853, T duplicated on the plus strand (A on the coding strand, the reverse complement: EXPH5 is on the minus strand); the first of 3 consecutive T bases (chr11:108,514,853-108,514,855); duplicating any one gives the same sequence. VCF-style (leftmost placement, unchanged base first): chr11-108514852-A-AT. GRCh37 (hg19) VCF-style: chr11-108385579-A-AT.
Other names: c.426dup, p.Leu143fs (NM_001144763.2); c.186dup, p.Leu63fs (NM_001144764.2); c.90dup, p.Leu31fs (NM_001144765.2); c.633dup, p.Leu212fs (NM_001308019.2); short protein forms L31fs, L143fs, L212fs, L219fs, L63fs.
Identifiers: ClinVar variation 2082403 (VCV002082403.4), dbSNP rs2093713943, ClinGen allele CA1998898761.

ClinVar aggregate classification (germline): Uncertain significance (1 of 4 stars; one submission).

Submission:

Labcorp Genetics (formerly Invitae), Labcorp
Classification: Uncertain significance. Last evaluated: 2022-05-19. Review status: criteria provided, single submitter. Criteria: Invitae Variant Classification Sherloc (09022015). Collection method: clinical testing. Allele origin: germline.
Comment: In summary, the available evidence is currently insufficient to determine the role of this variant in disease. Therefore, it has been classified as a Variant of Uncertain Significance. Experimental studies and prediction algorithms are not available or were not evaluated, and the functional significance of this variant is currently unknown. This variant has not been reported in the literature in individuals affected with EXPH5-related conditions. This variant is not present in population databases (gnomAD no frequency). This sequence change creates a premature translational stop signal (p.Leu219Ilefs*32) in the EXPH5 gene. While this is not anticipated to result in nonsense mediated decay, it is expected to disrupt the last 1771 amino acid(s) of the EXPH5 protein.